The following is an entry in ClinVar:

ClinVar aggregate classification (germline): Uncertain significance (1 of 4 stars; one submission).

Submission:

CeGaT Center for Human Genetics Tuebingen
Classification: Uncertain significance. Last evaluated: 2025-11-01. Review status: criteria provided, single submitter. Criteria: CeGaT Center For Human Genetics Tuebingen Variant Classification Criteria Version 2. Collection method: clinical testing. Allele origin: germline. Affected: yes. Observed: 1 variant allele.
Comment: RFX3: PM2

NM_001282116.2(RFX3):c.2206A>G (p.Ile736Val)

Gene: RFX3 (regulatory factor X3; minus strand). Cytogenetic location: 9p24.2.
Variant type: single nucleotide variant.
Coding change: c.2206A>G on transcript NM_001282116.2 (MANE Select); coding-DNA position 2206, A replaced by G.
Protein change: p.Ile736Val; replaces isoleucine 736 with valine.
Molecular consequence: missense variant.
Genome position (GRCh38, 1-based): chr9:3,225,086, T>C on the plus strand (A>G on the coding strand, the complement: RFX3 is on the minus strand). VCF-style: chr9-3225086-T-C. GRCh37 (hg19) VCF-style: chr9-3225086-T-C.
Other names: c.2269A>G, p.Ile757Val (NM_001377999.1); c.2206A>G, p.Ile736Val (NM_134428.3); short protein forms I736V, I757V.
Identifiers: ClinVar variation 4535260 (VCV004535260.6).
Genomic context (GRCh38, chr9:3,225,086, plus strand): 5'-TACGCTTTAATATTCTTTAGACTGCAGTGTAGGTATTTCCTGTAGCGCTGCACTGTCTGA[T>C]AGTCTGAGTACTTGTGACAATGTGCTCGCTGTGAATTGGATTCAGGAGGCTTGGTTGCAC-3'
Protein context (NP_001269045.1, residues 726-746): SEHIVTSTQT[Ile736Val]RQCSATGNTY